The following is an entry in ClinVar:

ClinVar aggregate classification (germline): Uncertain significance (1 of 4 stars; one submission).

Submission:

GeneDx
Classification: Uncertain significance. Last evaluated: 2022-04-07. Review status: criteria provided, single submitter. Criteria: GeneDx Variant Classification Process June 2021. Collection method: clinical testing. Allele origin: germline. Affected: yes.
Comment: Not observed at significant frequency in large population cohorts (gnomAD); In silico analysis supports that this missense variant does not alter protein structure/function; Has not been previously published as pathogenic or benign to our knowledge

NM_014014.5(SNRNP200):c.3232A>T (p.Met1078Leu)

Gene: SNRNP200 (small nuclear ribonucleoprotein U5 subunit 200; minus strand). Cytogenetic location: 2q11.2.
Variant type: single nucleotide variant.
Coding change: c.3232A>T on transcript NM_014014.5 (MANE Select); coding-DNA position 3232, A replaced by T.
Protein change: p.Met1078Leu; replaces methionine 1078 with leucine.
Molecular consequence: missense variant.
Genome position (GRCh38, 1-based): chr2:96,288,689, T>A on the plus strand (A>T on the coding strand, the complement: SNRNP200 is on the minus strand). VCF-style: chr2-96288689-T-A. GRCh37 (hg19) VCF-style: chr2-96954427-T-A.
Other names: short protein forms M1078L.
Identifiers: ClinVar variation 1708634 (VCV001708634.2), dbSNP rs1161797681, ClinGen allele CA347673473.